The following is an entry in ClinVar:

ClinVar aggregate classification (germline): Likely benign (0 of 4 stars; one submission).

Conditions:
DYRK1B-related disorder. Also called: DYRK1B-related condition.

Submission:

PreventionGenetics, part of Exact Sciences
Classification: Likely benign for DYRK1B-related condition. Last evaluated: 2024-09-02. Review status: no assertion criteria provided. Collection method: clinical testing. Allele origin: germline.
Comment: This variant is classified as likely benign based on ACMG/AMP sequence variant interpretation guidelines (Richards et al. 2015 PMID: 25741868, with internal and published modifications).

NM_004714.3(DYRK1B):c.195G>A (p.Ala65=)

Gene: DYRK1B (dual specificity tyrosine phosphorylation regulated kinase 1B; minus strand). Cytogenetic location: 19q13.2.
Variant type: single nucleotide variant.
Coding change: c.195G>A on transcript NM_004714.3 (MANE Select); coding-DNA position 195, G replaced by A.
Protein change: p.Ala65=; no amino-acid change (alanine 65 retained).
Molecular consequence: synonymous variant.
Genome position (GRCh38, 1-based): chr19:39,830,552, C>T on the plus strand (G>A on the coding strand, the complement: DYRK1B is on the minus strand). VCF-style: chr19-39830552-C-T. GRCh37 (hg19) VCF-style: chr19-40321192-C-T.
Other names: c.195G>A, p.Ala65= (NM_006483.3, NM_006484.3).
Identifiers: ClinVar variation 3351439 (VCV003351439.1).